The following is an entry in ClinVar:

ClinVar aggregate classification (germline): Uncertain significance. Review status: criteria provided, multiple submitters, no conflicts (2 of 4 stars). 2 submissions from 2 submitters: Uncertain significance (2). Last evaluated 2025-08-28.

Conditions:
Dilated cardiomyopathy 1G (CMD1G). Identifiers: Orphanet 154, MedGen C1858763, MONDO:0011400, OMIM 604145.
Autosomal recessive limb-girdle muscular dystrophy type 2J (LGMDR10). Also called: Limb-girdle muscular dystrophy, type 2J; MUSCULAR DYSTROPHY, LIMB-GIRDLE, AUTOSOMAL RECESSIVE 10. Identifiers: Orphanet 140922, MedGen C1837342, MONDO:0012127, OMIM 608807.

Allele frequency attached by ClinVar (database versions not stated): gnomAD exomes below 0.00001.

Submissions (2):

Labcorp Genetics (formerly Invitae), Labcorp
Classification: Uncertain significance for Dilated cardiomyopathy 1G; Autosomal recessive limb-girdle muscular dystrophy type 2J. Last evaluated: 2025-08-28. Review status: criteria provided, single submitter. Criteria: Invitae Variant Classification Sherloc (09022015). Collection method: clinical testing. Allele origin: germline.
Comment: This sequence change replaces lysine, which is basic and polar, with arginine, which is basic and polar, at codon 35068 of the TTN protein (p.Lys35068Arg). This variant is present in population databases (no rsID available, gnomAD 0.0009%). This variant has not been reported in the literature in individuals affected with TTN-related conditions. ClinVar contains an entry for this variant (Variation ID: 808895). Experimental studies and prediction algorithms are not available or were not evaluated, and the functional significance of this variant is currently unknown. This variant is located in the M band of TTN (PMID: 25589632). Non-truncating variants in this region may be relevant for neuromuscular disorders, but have not been definitively shown to cause cardiomyopathy (PMID: 23975875). In summary, the available evidence is currently insufficient to determine the role of this variant in disease. Therefore, it has been classified as a Variant of Uncertain Significance.

CeGaT Center for Human Genetics Tuebingen
Classification: Uncertain significance. Last evaluated: 2018-04-01. Review status: criteria provided, single submitter. Criteria: CeGaT Center For Human Genetics Tuebingen Variant Classification Criteria Version 2. Collection method: clinical testing. Allele origin: germline. Affected: yes. Observed: 1 variant allele.

Literature cited by the submitters: PubMed 25589632 (cited by Labcorp Genetics (formerly Invitae), Labcorp); PubMed 23975875 (cited by Labcorp Genetics (formerly Invitae), Labcorp).

NM_001267550.2(TTN):c.105203A>G (p.Lys35068Arg)

Genes: TTN (titin; minus strand), TTN-AS1 (TTN antisense RNA 1; plus strand). Cytogenetic location: 2q31.2.
Variant type: single nucleotide variant.
Coding change: c.105203A>G on transcript NM_001267550.2 (MANE Select); coding-DNA position 105203, A replaced by G.
Protein change: p.Lys35068Arg; replaces lysine 35068 with arginine.
Molecular consequence: missense variant.
Genome position (GRCh38, 1-based): chr2:178,531,412, T>C on the plus strand (A>G on the coding strand, the complement: TTN is on the minus strand). VCF-style: chr2-178531412-T-C. GRCh37 (hg19) VCF-style: chr2-179396139-T-C.
Other names: c.100280A>G, p.Lys33427Arg (NM_001256850.1); c.78008A>G, p.Lys26003Arg (NM_003319.4); c.97499A>G, p.Lys32500Arg (NM_133378.4); c.78383A>G, p.Lys26128Arg (NM_133432.3); c.78584A>G, p.Lys26195Arg (NM_133437.4); short protein forms K26195R, K33427R, K26003R, K35068R, K26128R, K32500R.
Identifiers: ClinVar variation 808895 (VCV000808895.43), dbSNP rs1387560309, ClinGen allele CA349409275.